The following is an entry in ClinVar:

NM_002878.4(RAD51D):c.515C>T (p.Ala172Val)

Genes: RAD51D (RAD51 paralog D; minus strand), RAD51L3-RFFL (RAD51L3-RFFL readthrough; minus strand). Cytogenetic location: 17q12.
Variant type: single nucleotide variant.
Coding change: c.515C>T on transcript NM_002878.4 (MANE Select); coding-DNA position 515, C replaced by T.
Protein change: p.Ala172Val; replaces alanine 172 with valine.
Molecular consequence: missense variant. On other transcripts: non-coding transcript variant (3).
Genome position (GRCh38, 1-based): chr17:35,106,447, G>A on the plus strand (C>T on the coding strand, the complement: RAD51D is on the minus strand). VCF-style: chr17-35106447-G-A. GRCh37 (hg19) VCF-style: chr17-33433466-G-A.
Other names: c.575C>T, p.Ala192Val (NM_001142571.2); c.179C>T, p.Ala60Val (NM_133629.3); short protein forms A172V, A192V, A60V.
Identifiers: ClinVar variation 565779 (VCV000565779.14), dbSNP rs1413648665, ClinGen allele CA399088870.
Genomic context (GRCh38, chr17:35,106,447, plus strand): 5'-TGCTGGGCCACAGTGCCTCGGAGCTCCTGCAGCACATCCAGCATCTGGAAGATGTCAAAT[G>A]CATGCACCACCTGGATCCTCCGGAGAGCTTCTGCCTGAAGCGGTGGAAAAGAAAAGCAAG-3'
Protein context (NP_002869.3, residues 162-182): EALRRIQVVH[Ala172Val]FDIFQMLDVL

ClinVar aggregate classification (germline): Uncertain significance. Review status: criteria provided, multiple submitters, no conflicts (2 of 4 stars). 4 submissions from 4 submitters: Uncertain significance (4). Last evaluated 2025-12-10.

Conditions:
Hereditary cancer-predisposing syndrome. Also called: Hereditary neoplastic syndrome; Neoplastic Syndromes, Hereditary; Tumor predisposition; Hereditary Cancer Syndrome. Identifiers: Orphanet 140162, MedGen C0027672, MeSH D009386, MONDO:0015356.
Breast-ovarian cancer, familial, susceptibility to, 4. Identifiers: Orphanet 145, MedGen C3280345, MONDO:0013669, OMIM 614291.

gnomAD v4.1: 7 of 1,613,348 alleles (0.00043%); highest among the groups gnomAD compares: Non-Finnish European, 0.00042%; no homozygotes.

Submissions (4):

Color Diagnostics, LLC DBA Color Health
Classification: Uncertain significance for Hereditary cancer-predisposing syndrome. Last evaluated: 2025-12-10. Review status: criteria provided, single submitter. Criteria: ACMG Guidelines, 2015. Collection method: clinical testing. Allele origin: germline.
Comment: This missense variant replaces alanine with valine at codon 172 of the RAD51D protein. Computational prediction suggests that this variant may not impact protein structure and function. To our knowledge, functional studies have not been reported for this variant. This variant has been detected in a breast cancer case-control meta-analysis in 1/60466 cases and absent in 53461 unaffected individuals (PMID: 33471991LOVD DB-ID RAD51D_000128). This variant has been identified in 7/1613348 chromosomes in the general population by the Genome Aggregation Database (gnomAD). The available evidence is insufficient to determine the role of this variant in disease conclusively. Therefore, this variant is classified as a Variant of Uncertain Significance.

Labcorp Genetics (formerly Invitae), Labcorp
Classification: Uncertain significance for Breast-ovarian cancer, familial, susceptibility to, 4. Last evaluated: 2025-10-07. Review status: criteria provided, single submitter. Criteria: Invitae Variant Classification Sherloc (09022015). Collection method: clinical testing. Allele origin: germline.
Comment: This sequence change replaces alanine, which is neutral and non-polar, with valine, which is neutral and non-polar, at codon 172 of the RAD51D protein (p.Ala172Val). This variant is not present in population databases (gnomAD no frequency). This variant has not been reported in the literature in individuals affected with RAD51D-related conditions. ClinVar contains an entry for this variant (Variation ID: 565779). Invitae Evidence Modeling of protein sequence and biophysical properties (such as structural, functional, and spatial information, amino acid conservation, physicochemical variation, residue mobility, and thermodynamic stability) indicates that this missense variant is not expected to disrupt RAD51D protein function with a negative predictive value of 80%. In summary, the available evidence is currently insufficient to determine the role of this variant in disease. Therefore, it has been classified as a Variant of Uncertain Significance.

Ambry Genetics
Classification: Uncertain significance for Hereditary cancer-predisposing syndrome. Last evaluated: 2023-07-12. Review status: criteria provided, single submitter. Criteria: Ambry Variant Classification Scheme 2023. Collection method: clinical testing. Allele origin: germline.
Comment: The p.A172V variant (also known as c.515C>T), located in coding exon 6 of the RAD51D gene, results from a C to T substitution at nucleotide position 515. The alanine at codon 172 is replaced by valine, an amino acid with similar properties. This amino acid position is not well conserved in available vertebrate species. In addition, this alteration is predicted to be tolerated by in silico analysis. Since supporting evidence is limited at this time, the clinical significance of this alteration remains unclear.

Quest Diagnostics Nichols Institute San Juan Capistrano
Classification: Uncertain significance. Last evaluated: 2020-03-16. Review status: criteria provided, single submitter. Criteria: Quest Diagnostics criteria. Collection method: clinical testing. Allele origin: unknown.

Literature cited by the submitters: PubMed 33471991 (cited by Color Diagnostics, LLC DBA Color Health).